The following is an entry in ClinVar:

NM_032977.4(CASP10):c.131T>C (p.Ile44Thr)

Gene: CASP10 (caspase 10; plus strand). Cytogenetic location: 2q33.1.
Variant type: single nucleotide variant.
Coding change: c.131T>C on transcript NM_032977.4 (MANE Select); coding-DNA position 131, T replaced by C.
Protein change: p.Ile44Thr; replaces isoleucine 44 with threonine.
Molecular consequence: missense variant.
Genome position (GRCh38, 1-based): chr2:201,185,908, T>C. VCF-style: chr2-201185908-T-C. GRCh37 (hg19) VCF-style: chr2-202050631-T-C.
Other names: c.131T>C, p.Ile44Thr (NM_001206524.2, NM_001206542.2, NM_001230.5 and 3 more transcripts); short protein forms I44T.
Identifiers: ClinVar variation 2632986 (VCV002632986.1), dbSNP rs1189489209, ClinGen allele CA350277648.

ClinVar aggregate classification (germline): Uncertain significance (1 of 4 stars; one submission).

Conditions:
CASP10-related disorder. Also called: CASP10-related condition.

Allele frequency attached by ClinVar (database versions not stated): gnomAD exomes below 0.00001.
gnomAD v4.1: 4 of 1,614,170 alleles (0.00025%); highest among the groups gnomAD compares: Non-Finnish European, 0.00034%; no homozygotes.

Submission:

PreventionGenetics, part of Exact Sciences
Classification: Uncertain significance for CASP10-related condition. Last evaluated: 2023-05-10. Review status: criteria provided, single submitter. Criteria: ACMG Guidelines, 2015. Collection method: clinical testing. Allele origin: germline.
Comment: The CASP10 c.131T>C variant is predicted to result in the amino acid substitution p.Ile44Thr. To our knowledge, this variant has not been reported in the literature. This variant is reported in 0.00088% of alleles in individuals of European (Non-Finnish) descent in gnomAD. At this time, the clinical significance of this variant is uncertain due to the absence of conclusive functional and genetic evidence.